The following is an entry in ClinVar:

ClinVar aggregate classification (germline): Conflicting classifications of pathogenicity. Review status: criteria provided, conflicting classifications (1 of 4 stars). 2 submissions from 2 submitters: Uncertain significance (1); Likely benign (1). Last evaluated 2026-07-07.

Conditions:
ROBO4-related disorder. Also called: ROBO4-related condition.

gnomAD v4.1: 316 of 1,610,564 alleles (0.02%); highest among the groups gnomAD compares: African/African-American, 0.37%; no homozygotes.

Submissions (3):

PreventionGenetics, part of Exact Sciences
Classification: Likely benign for ROBO4-related condition. Last evaluated: 2026-07-07. Review status: criteria provided, single submitter. Criteria: ACMG Guidelines, 2015. Collection method: clinical testing. Allele origin: germline.
Comment: This variant is classified as likely benign based on ACMG/AMP sequence variant interpretation guidelines (Richards et al. 2015 PMID: 25741868, with internal and published modifications).

Ambry Genetics
Classification: Uncertain significance. Last evaluated: 2025-12-16. Review status: criteria provided, single submitter. Criteria: Ambry Variant Classification Scheme 2023. Collection method: clinical testing. Allele origin: germline.

Dr. Peter K. Rogan Lab, Western University
No classification provided (evidence only). Condition: Malignant tumor of esophagus. Review status: no classification provided. Collection method: in vitro. Allele origin: not applicable. Functional consequence: skipped exon, retained intron. Not counted in ClinVar's aggregate classification.

NM_019055.6(ROBO4):c.2269T>A (p.Cys757Ser)

Gene: ROBO4 (roundabout guidance receptor 4; minus strand). Cytogenetic location: 11q24.2.
Variant type: single nucleotide variant.
Coding change: c.2269T>A on transcript NM_019055.6 (MANE Select); coding-DNA position 2269, T replaced by A.
Protein change: p.Cys757Ser; replaces cysteine 757 with serine.
Molecular consequence: missense variant. On other transcripts: intron variant (1).
Genome position (GRCh38, 1-based): chr11:124,887,143, A>T on the plus strand (T>A on the coding strand, the complement: ROBO4 is on the minus strand). VCF-style: chr11-124887143-A-T. GRCh37 (hg19) VCF-style: chr11-124757039-A-T.
Other names: NC_000011.9:g.124757039A>T; c.2269T>A (NM_019055.5); c.1834T>A, p.Cys612Ser (NM_001301088.2); c.2199-44T>A (NM_001441183.1); short protein forms C612S, C757S.
Identifiers: ClinVar variation 4369021 (VCV004369021.3).